The following is an entry in ClinVar:

ClinVar aggregate classification (germline): Uncertain significance (1 of 4 stars; one submission).

Conditions:
Cardiovascular phenotype. Identifiers: MedGen CN230736.

Allele frequency attached by ClinVar (database versions not stated): TOPMed below 0.00001.

Submission:

Ambry Genetics
Classification: Uncertain significance for Cardiovascular phenotype. Last evaluated: 2023-03-19. Review status: criteria provided, single submitter. Criteria: Ambry Variant Classification Scheme 2023. Collection method: clinical testing. Allele origin: germline.
Comment: The p.L972P variant (also known as c.2915T>C), located in coding exon 26 of the RYR2 gene, results from a T to C substitution at nucleotide position 2915. The leucine at codon 972 is replaced by proline, an amino acid with similar properties. This amino acid position is well conserved in available vertebrate species. In addition, this alteration is predicted to be deleterious by in silico analysis. Since supporting evidence is limited at this time, the clinical significance of this alteration remains unclear.

NM_001035.3(RYR2):c.2915T>C (p.Leu972Pro)

Gene: RYR2 (ryanodine receptor 2; plus strand). Cytogenetic location: 1q43.
Variant type: single nucleotide variant.
Coding change: c.2915T>C on transcript NM_001035.3 (MANE Select); coding-DNA position 2915, T replaced by C.
Protein change: p.Leu972Pro; replaces leucine 972 with proline.
Molecular consequence: missense variant.
Genome position (GRCh38, 1-based): chr1:237,548,439, T>C. VCF-style: chr1-237548439-T-C. GRCh37 (hg19) VCF-style: chr1-237711739-T-C.
Other names: short protein forms L972P.
Identifiers: ClinVar variation 2568251 (VCV002568251.2), dbSNP rs1670045081, ClinGen allele CA345393436.